The following is an entry in ClinVar:

ClinVar aggregate classification (germline): Uncertain significance. Review status: criteria provided, multiple submitters, no conflicts (2 of 4 stars). 2 submissions from 2 submitters: Uncertain significance (2). Last evaluated 2025-01-13.

Allele frequency attached by ClinVar (database versions not stated): gnomAD 0.00001; gnomAD exomes 0.00002; TOPMed 0.00003.
gnomAD v4.1: 11 of 1,608,588 alleles (0.00068%); highest among the groups gnomAD compares: Admixed American, 0.017%; no homozygotes.

Submissions (2):

Labcorp Genetics (formerly Invitae), Labcorp
Classification: Uncertain significance. Last evaluated: 2025-01-13. Review status: criteria provided, single submitter. Criteria: Invitae Variant Classification Sherloc (09022015). Collection method: clinical testing. Allele origin: germline.
Comment: This sequence change replaces phenylalanine, which is neutral and non-polar, with leucine, which is neutral and non-polar, at codon 106 of the WHRN protein (p.Phe106Leu). This variant is present in population databases (no rsID available, gnomAD 0.02%). This variant has not been reported in the literature in individuals affected with WHRN-related conditions. ClinVar contains an entry for this variant (Variation ID: 1516404). An algorithm developed to predict the effect of missense changes on protein structure and function (PolyPhen-2) suggests that this variant is likely to be disruptive. In summary, the available evidence is currently insufficient to determine the role of this variant in disease. Therefore, it has been classified as a Variant of Uncertain Significance.

Blueprint Genetics
Classification: Uncertain significance. Last evaluated: 2022-06-09. Review status: criteria provided, single submitter. Criteria: ACMG Guidelines, 2015. Collection method: clinical testing. Allele origin: germline.

NM_015404.4(WHRN):c.318C>A (p.Phe106Leu)

Gene: WHRN (whirlin; minus strand). Cytogenetic location: 9q32.
Variant type: single nucleotide variant.
Coding change: c.318C>A on transcript NM_015404.4 (MANE Select); coding-DNA position 318, C replaced by A.
Protein change: p.Phe106Leu; replaces phenylalanine 106 with leucine.
Molecular consequence: missense variant.
Genome position (GRCh38, 1-based): chr9:114,504,484, G>T on the plus strand (C>A on the coding strand, the complement: WHRN is on the minus strand). VCF-style: chr9-114504484-G-T. GRCh37 (hg19) VCF-style: chr9-117266764-G-T.
Other names: c.318C>A, p.Phe106Leu (NM_001173425.2); short protein forms F106L.
Identifiers: ClinVar variation 1516404 (VCV001516404.9), dbSNP rs1218681189, ClinGen allele CA374612960.